The following is an entry in ClinVar:

NM_001104.4(ACTN3):c.1249G>T (p.Ala417Ser)

Gene: ACTN3 (actinin alpha 3; plus strand). Cytogenetic location: 11q13.2.
Variant type: single nucleotide variant.
Coding change: c.1249G>T on transcript NM_001104.4 (MANE Select); coding-DNA position 1249, G replaced by T.
Protein change: p.Ala417Ser; replaces alanine 417 with serine.
Molecular consequence: missense variant.
Genome position (GRCh38, 1-based): chr11:66,558,147, G>T. VCF-style: chr11-66558147-G-T. GRCh37 (hg19) VCF-style: chr11-66325618-G-T.
Other names: c.1378G>T, p.Ala460Ser (NM_001258371.3); short protein forms A417S, A460S.
Identifiers: ClinVar variation 3039054 (VCV003039054.2), dbSNP rs201812719, ClinGen allele CA6124614.

ClinVar aggregate classification (germline): Benign (0 of 4 stars; one submission).

Conditions:
ACTN3-related disorder. Also called: ACTN3-related condition.

Allele frequency attached by ClinVar (database versions not stated): ESP Exome Variant Server 0.00039; gnomAD 0.00096; 1000 Genomes Project 30x 0.00187; 1000 Genomes Project 0.00240.
gnomAD v4.1: 893 of 1,613,712 alleles (0.055%); highest among the groups gnomAD compares: East Asian, 1.6%; 12 homozygotes.

Submission:

PreventionGenetics, part of Exact Sciences
Classification: Benign for ACTN3-related condition. Last evaluated: 2019-05-24. Review status: no assertion criteria provided. Collection method: clinical testing. Allele origin: germline.
Comment: This variant is classified as benign based on ACMG/AMP sequence variant interpretation guidelines (Richards et al. 2015 PMID: 25741868, with internal and published modifications).